The following is an entry in ClinVar:

ClinVar aggregate classification (germline): Uncertain significance (1 of 4 stars; one submission).

Conditions:
Charcot-Marie-Tooth disease type 4A. Also called: Charcot-Marie-Tooth disease, demyelinating, autosomal recessive, type 4a. Identifiers: Orphanet 99948, MedGen C1859198, MONDO:0008961, OMIM 214400.

Allele frequency attached by ClinVar (database versions not stated): TOPMed below 0.00001; gnomAD 0.00001; gnomAD exomes 0.00002; ExAC 0.00003; ESP Exome Variant Server 0.00008.
gnomAD v4.1: 50 of 1,614,008 alleles (0.0031%); highest among the groups gnomAD compares: Non-Finnish European, 0.0042%; no homozygotes.

Submission:

Labcorp Genetics (formerly Invitae), Labcorp
Classification: Uncertain significance for Charcot-Marie-Tooth disease type 4A. Last evaluated: 2024-08-19. Review status: criteria provided, single submitter. Criteria: Invitae Variant Classification Sherloc (09022015). Collection method: clinical testing. Allele origin: germline.
Comment: This sequence change replaces alanine, which is neutral and non-polar, with serine, which is neutral and polar, at codon 303 of the GDAP1 protein (p.Ala303Ser). This variant is present in population databases (rs368055667, gnomAD 0.004%). This variant has not been reported in the literature in individuals affected with GDAP1-related conditions. ClinVar contains an entry for this variant (Variation ID: 535789). An algorithm developed to predict the effect of missense changes on protein structure and function (PolyPhen-2) suggests that this variant is likely to be disruptive. In summary, the available evidence is currently insufficient to determine the role of this variant in disease. Therefore, it has been classified as a Variant of Uncertain Significance.

NM_018972.4(GDAP1):c.907G>T (p.Ala303Ser)

Gene: GDAP1 (ganglioside induced differentiation associated protein 1; plus strand). Cytogenetic location: 8q21.11.
Variant type: single nucleotide variant.
Coding change: c.907G>T on transcript NM_018972.4 (MANE Select); coding-DNA position 907, G replaced by T.
Protein change: p.Ala303Ser; replaces alanine 303 with serine.
Molecular consequence: missense variant. On other transcripts: intron variant (1).
Genome position (GRCh38, 1-based): chr8:74,364,197, G>T. VCF-style: chr8-74364197-G-T. GRCh37 (hg19) VCF-style: chr8-75276432-G-T.
Other names: c.703G>T, p.Ala235Ser (NM_001040875.4); c.580G>T, p.Ala194Ser (NM_001362929.2, NM_001362932.2); c.733G>T, p.Ala245Ser (NM_001362930.2); c.694+1144G>T (NM_001362931.2); short protein forms A303S, A194S, A245S, A235S.
Identifiers: ClinVar variation 535789 (VCV000535789.10), dbSNP rs368055667, ClinGen allele CA4785215.
Genomic context (GRCh38, chr8:74,364,197, plus strand): 5'-GTCTTGAAGAGAAAAACATTTAACAAGGTTTTAGGACATGTCAACAATATATTAATCTCT[G>T]CAGTGCTGCCAACAGCATTCCGGGTGGCCAAGAAAAGGGCCCCAAAAGTTCTTGGCACGA-3'
Protein context (NP_061845.2, residues 293-313): LGHVNNILIS[Ala303Ser]VLPTAFRVAK